The following is an entry in ClinVar:

ClinVar aggregate classification (germline): Uncertain significance. Review status: criteria provided, multiple submitters, no conflicts (2 of 4 stars). 3 submissions from 3 submitters: Uncertain significance (2). 1 of the submissions does not count toward it. Last evaluated 2022-07-30.

Conditions:
Hereditary cancer-predisposing syndrome. Also called: Hereditary Cancer Syndrome; Hereditary neoplastic syndrome; Neoplastic Syndromes, Hereditary; Tumor predisposition. Identifiers: Orphanet 140162, MedGen C0027672, MeSH D009386, MONDO:0015356.
Microcephaly, normal intelligence and immunodeficiency (NBS). Also called: Ataxia telangiectasia variant V1; IMMUNODEFICIENCY, MICROCEPHALY, AND CHROMOSOMAL INSTABILITY; SEEMANOVA SYNDROME II; Nijmegen breakage syndrome; Microcephaly with normal intelligence immunodeficiency and lymphoreticular malignancies; Nonsyndromal microcephaly autosomal recessive with normal intelligence. Identifiers: Orphanet 647, MedGen C0398791, MONDO:0009623, OMIM 251260.

Submissions (3):

Labcorp Genetics (formerly Invitae), Labcorp
Classification: Uncertain significance for Microcephaly, normal intelligence and immunodeficiency. Last evaluated: 2022-07-30. Review status: criteria provided, single submitter. Criteria: Invitae Variant Classification Sherloc (09022015). Collection method: clinical testing. Allele origin: germline.
Comment: ClinVar contains an entry for this variant (Variation ID: 552387). In summary, the available evidence is currently insufficient to determine the role of this variant in disease. Therefore, it has been classified as a Variant of Uncertain Significance. Experimental studies and prediction algorithms are not available or were not evaluated, and the functional significance of this variant is currently unknown. This variant has not been reported in the literature in individuals affected with NBN-related conditions. This variant is not present in population databases (gnomAD no frequency). This variant, c.2032_2034del, results in the deletion of 1 amino acid(s) of the NBN protein (p.Asp678del), but otherwise preserves the integrity of the reading frame.

Ambry Genetics
Classification: Uncertain significance for Hereditary cancer-predisposing syndrome. Last evaluated: 2018-03-29. Review status: criteria provided, single submitter. Criteria: Ambry Variant Classification Scheme 2023. Collection method: clinical testing. Allele origin: germline.
Comment: The c.2032_2034delGAT variant (also known as p.D678del) is located in coding exon 13 of the NBN gene. This variant results from an in-frame GAT deletion at nucleotide positions 2032 to 2034. This results in the in-frame deletion of an aspartic acid at codon 678. This amino acid position is well conserved in available vertebrate species. Since supporting evidence is limited at this time, the clinical significance of this alteration remains unclear.

Counsyl
Classification: Uncertain significance for Microcephaly, normal intelligence and immunodeficiency. Last evaluated: 2017-06-08. Review status: no assertion criteria provided. Collection method: clinical testing. Allele origin: unknown. Not counted in ClinVar's aggregate classification.

NM_002485.5(NBN):c.2029GAT[1] (p.Asp678del)

Gene: NBN (nibrin; minus strand). Cytogenetic location: 8q21.3.
Variant type: Microsatellite.
Coding change: c.2029GAT[1] on transcript NM_002485.5 (MANE Select); one copy of the 3-base unit GAT starting at c.2029; the reference has two copies in a row; one copy, 3 bases deleted.
Protein change: p.Asp678del; deletes aspartic acid 678.
Molecular consequence: inframe deletion.
Genome position (GRCh38, 1-based): chr8:89,946,176-89,946,178, ATC deleted on the plus strand (GAT on the coding strand, the reverse complement: NBN is on the minus strand); deleting any 3 consecutive bases within chr8:89,946,176-89,946,183 gives the same sequence; the position shown is the placement nearest the transcript's 3' end. VCF-style (leftmost placement, unchanged base first): chr8-89946175-AATC-A. GRCh37 (hg19) VCF-style: chr8-90958403-AATC-A.
Other names: c.1783GAT[1], p.Asp596del (NM_001024688.3); c.2032_2034delGAT (NM_002485.4); short protein forms D678del, D596del.
Identifiers: ClinVar variation 552387 (VCV000552387.16), dbSNP rs1554556498, ClinGen allele CA658822448.